The following is an entry in ClinVar:

NM_001292063.2(OTOG):c.1592G>A (p.Ser531Asn)

Gene: OTOG (otogelin; plus strand). Cytogenetic location: 11p15.1.
Variant type: single nucleotide variant.
Coding change: c.1592G>A on transcript NM_001292063.2 (MANE Select); coding-DNA position 1592, G replaced by A.
Protein change: p.Ser531Asn; replaces serine 531 with asparagine.
Molecular consequence: missense variant.
Genome position (GRCh38, 1-based): chr11:17,561,755, G>A. VCF-style: chr11-17561755-G-A. GRCh37 (hg19) VCF-style: chr11-17583302-G-A.
Other names: c.1628G>A, p.Ser543Asn (NM_001277269.2); short protein forms S531N, S543N.
Identifiers: ClinVar variation 3731357 (VCV003731357.1).

ClinVar aggregate classification (germline): Uncertain significance (1 of 4 stars; one submission).

Conditions:
Autosomal recessive nonsyndromic hearing loss 18B. Also called: Deafness, autosomal recessive 18b. Identifiers: Orphanet 90636, MedGen C3554163, MONDO:0013985, OMIM 614945.

Submission:

Neuberg Centre For Genomic Medicine, NCGM
Classification: Uncertain significance for Autosomal recessive nonsyndromic hearing loss 18B. Last evaluated: 2023-06-22. Review status: criteria provided, single submitter. Criteria: ACMG Guidelines, 2015. Collection method: clinical testing. Allele origin: germline. Inheritance: Autosomal recessive inheritance. Affected: yes.
Comment: The observed missense c.1592G>A(p.Ser531Asn) variant in gene OTOG has not been reported previously as a pathogenic variant nor as a benign variant, to our knowledge. This variant is absent in gnomAD Exomes. The amino acid Ser at position 531 is changed to a Asn changing protein sequence and it might alter its composition and physico-chemical properties. The amino acid change p.Ser531Asn in OTOG is predicted as conserved by GERP++ and PhyloP across 100 vertebrates. Computational evidence (Polyphen - Not available, SIFT - Damaging, and MutationTaster - Disease causing) predict a damaging effect on protein structure and function for this variant. For these reasons, this variant has been classified as Uncertain Significance.